The following is an entry in ClinVar:

NM_198576.4(AGRN):c.2225T>C (p.Leu742Pro)

Gene: AGRN (agrin; plus strand). Cytogenetic location: 1p36.33.
Variant type: single nucleotide variant.
Coding change: c.2225T>C on transcript NM_198576.4 (MANE Select); coding-DNA position 2225, T replaced by C.
Protein change: p.Leu742Pro; replaces leucine 742 with proline.
Molecular consequence: missense variant.
Genome position (GRCh38, 1-based): chr1:1,044,410, T>C. VCF-style: chr1-1044410-T-C. GRCh37 (hg19) VCF-style: chr1-979790-T-C.
Other names: c.2225T>C, p.Leu742Pro (NM_001305275.2); c.1910T>C, p.Leu637Pro (NM_001364727.2); short protein forms L637P, L742P.
Identifiers: ClinVar variation 1350026 (VCV001350026.4), dbSNP rs2100649704, ClinGen allele CA337837114.
Genomic context (GRCh38, chr1:1,044,410, plus strand): 5'-GGGTCACCTACAGCACCGAGTGTGAGCTGAAGAAGGCCAGGTGTGAGTCACAGCGAGGGC[T>C]CTACGTAGCGGCCCAGGGAGCCTGCCGAGGTGAGCCGGCTGCACGTGGGGTCTCAGGCAC-3'
Protein context (NP_940978.2, residues 732-752): KKARCESQRG[Leu742Pro]YVAAQGACRG

ClinVar aggregate classification (germline): Uncertain significance (1 of 4 stars; one submission).

Conditions:
Congenital myasthenic syndrome 8. Also called: Myasthenic syndrome, congenital, 8, with pre- and postsynaptic defects; MYASTHENIC SYNDROME, CONGENITAL, DUE TO AGRIN DEFICIENCY. Identifiers: Orphanet 590, MedGen C3808739, MONDO:0014052, OMIM 615120.

Submission:

Labcorp Genetics (formerly Invitae), Labcorp
Classification: Uncertain significance for Congenital myasthenic syndrome 8. Last evaluated: 2022-07-26. Review status: criteria provided, single submitter. Criteria: Invitae Variant Classification Sherloc (09022015). Collection method: clinical testing. Allele origin: germline.
Comment: Algorithms developed to predict the effect of missense changes on protein structure and function are either unavailable or do not agree on the potential impact of this missense change (SIFT: "Deleterious"; PolyPhen-2: "Probably Damaging"; Align-GVGD: "Class C0"). In summary, the available evidence is currently insufficient to determine the role of this variant in disease. Therefore, it has been classified as a Variant of Uncertain Significance. ClinVar contains an entry for this variant (Variation ID: 1350026). This variant has not been reported in the literature in individuals affected with AGRN-related conditions. This variant is not present in population databases (gnomAD no frequency). This sequence change replaces leucine, which is neutral and non-polar, with proline, which is neutral and non-polar, at codon 742 of the AGRN protein (p.Leu742Pro).